The following is an entry in ClinVar:

NM_000399.5(EGR2):c.388A>G (p.Thr130Ala)

Gene: EGR2 (early growth response 2; minus strand). Cytogenetic location: 10q21.3.
Variant type: single nucleotide variant.
Coding change: c.388A>G on transcript NM_000399.5 (MANE Select); coding-DNA position 388, A replaced by G.
Protein change: p.Thr130Ala; replaces threonine 130 with alanine.
Molecular consequence: missense variant.
Genome position (GRCh38, 1-based): chr10:62,814,250, T>C on the plus strand (A>G on the coding strand, the complement: EGR2 is on the minus strand). VCF-style: chr10-62814250-T-C. GRCh37 (hg19) VCF-style: chr10-64574010-T-C.
Other names: c.388A>G, p.Thr130Ala (NM_001136177.3, NM_001136178.2); c.238A>G, p.Thr80Ala (NM_001136179.3, NM_001321037.2); short protein forms T80A, T130A.
Identifiers: ClinVar variation 1382622 (VCV001382622.6), dbSNP rs1564707625, ClinGen allele CA377030931.
Genomic context (GRCh38, chr10:62,814,250, plus strand): 5'-CCAGGGGTCCTGTGGCCAGTGGGTTGGGGGAGGCAGAGGTGACGCTGGATGAGGCTGTGG[T>C]TGAAGCTGGGGAAGTGACCCCTTGCAAGATGCCTGCACTCACAATATTGATTATGCCTTC-3'
Protein context (NP_000390.2, residues 120-140): ILQGVTSPAS[Thr130Ala]TASSSVTSAS

ClinVar aggregate classification (germline): Uncertain significance (1 of 4 stars; one submission).

Conditions:
Charcot-Marie-Tooth disease, type I (CMT1). Also called: Charcot-Marie-Tooth, Type 1; Charcot-Marie-Tooth disease type 1. Identifiers: Orphanet 65753, MedGen C0751036, MONDO:0019011.

Allele frequency attached by ClinVar (database versions not stated): gnomAD exomes below 0.00001.
gnomAD v4.1: 2 of 1,613,986 alleles (0.00012%); highest among the groups gnomAD compares: Admixed American, 0.0033%; no homozygotes.

Submission:

Labcorp Genetics (formerly Invitae), Labcorp
Classification: Uncertain significance for Charcot-Marie-Tooth disease, type I. Last evaluated: 2021-09-21. Review status: criteria provided, single submitter. Criteria: Invitae Variant Classification Sherloc (09022015). Collection method: clinical testing. Allele origin: germline.
Comment: This variant is not present in population databases (ExAC no frequency). This sequence change replaces threonine with alanine at codon 130 of the EGR2 protein (p.Thr130Ala). The threonine residue is moderately conserved and there is a small physicochemical difference between threonine and alanine. This variant has not been reported in the literature in individuals affected with EGR2-related conditions. In summary, the available evidence is currently insufficient to determine the role of this variant in disease. Therefore, it has been classified as a Variant of Uncertain Significance. Algorithms developed to predict the effect of missense changes on protein structure and function are either unavailable or do not agree on the potential impact of this missense change (SIFT: "Not Available"; PolyPhen-2: "Benign"; Align-GVGD: "Not Available").